The following is an entry in ClinVar:

NM_213622.4(STAMBP):c.203+5G>A

Genes: STAMBP (STAM binding protein; plus strand), LOC126806253 (CDK7 strongly-dependent group 2 enhancer GRCh37_chr2:74057585-74058784; plus strand). Cytogenetic location: 2p13.1.
Variant type: single nucleotide variant.
Coding change: c.203+5G>A on transcript NM_213622.4 (MANE Select); 5 bases into the intron after coding-DNA position 203, G replaced by A.
Molecular consequence: intron variant.
Genome position (GRCh38, 1-based): chr2:73,831,064, G>A. VCF-style: chr2-73831064-G-A. GRCh37 (hg19) VCF-style: chr2-74058191-G-A.
Other names: c.-351+5G>A (NM_001353976.2, NM_001353974.2, NM_001353975.2 and 2 more transcripts); c.203+5G>A (NM_001353970.2, NM_006463.6, NM_001353968.2 and 3 more transcripts); c.-203+2068G>A (NM_001353972.2).
Identifiers: ClinVar variation 1364920 (VCV001364920.6), dbSNP rs774472719, ClinGen allele CA1717457.

ClinVar aggregate classification (germline): Likely pathogenic (1 of 4 stars; one submission).

Allele frequency attached by ClinVar (database versions not stated): gnomAD exomes below 0.00001 and 0.00001; ExAC 0.00001; gnomAD 0.00002; TOPMed 0.00003.
gnomAD v4.1: 9 of 1,612,862 alleles (0.00056%); highest among the groups gnomAD compares: African/African-American, 0.004%; no homozygotes.

Submission:

Labcorp Genetics (formerly Invitae), Labcorp
Classification: Likely pathogenic. Last evaluated: 2023-07-14. Review status: criteria provided, single submitter. Criteria: Invitae Variant Classification Sherloc (09022015). Collection method: clinical testing. Allele origin: germline.
Comment: This variant is present in population databases (rs774472719, gnomAD 0.008%). This sequence change falls in intron 3 of the STAMBP gene. It does not directly change the encoded amino acid sequence of the STAMBP protein. RNA analysis indicates that this variant induces altered splicing and is likely to result in the loss of the initiator methionine. This variant has been observed in individual(s) with microcephaly-capillary malformation syndrome (PMID: 23542699). In at least one individual the data is consistent with being in trans (on the opposite chromosome) from a pathogenic variant. In summary, the currently available evidence indicates that the variant is pathogenic, but additional data are needed to prove that conclusively. Therefore, this variant has been classified as Likely Pathogenic. Variants that disrupt the consensus splice site are a relatively common cause of aberrant splicing (PMID: 17576681, 9536098). Studies have shown that this variant results in skipping of exon 3, and is expected to result in the loss of the initiator methionine (PMID: 23542699). Studies have shown that this variant alters STAMBP gene expression (PMID: 23542699). ClinVar contains an entry for this variant (Variation ID: 1364920).

Literature cited by the submitters: PubMed 23542699; PubMed 17576681; PubMed 9536098.